The following is an entry in ClinVar:

ClinVar aggregate classification (germline): Pathogenic (1 of 4 stars; one submission).

Submission:

Labcorp Genetics (formerly Invitae), Labcorp
Classification: Pathogenic. Last evaluated: 2023-12-30. Review status: criteria provided, single submitter. Criteria: Invitae Variant Classification Sherloc (09022015). Collection method: clinical testing. Allele origin: germline.
Comment: This sequence change creates a premature translational stop signal (p.Gly413*) in the COL4A2 gene. It is expected to result in an absent or disrupted protein product. Loss-of-function variants in COL4A2 are known to be pathogenic (PMID: 22333902, 30315939). This variant is not present in population databases (gnomAD no frequency). This variant has not been reported in the literature in individuals affected with COL4A2-related conditions. For these reasons, this variant has been classified as Pathogenic.

Literature cited by the submitters: PubMed 22333902; PubMed 30315939.

NM_001846.4(COL4A2):c.1237G>T (p.Gly413Ter)

Gene: COL4A2 (collagen type IV alpha 2 chain; plus strand). Cytogenetic location: 13q34.
Variant type: single nucleotide variant.
Coding change: c.1237G>T on transcript NM_001846.4 (MANE Select); coding-DNA position 1237, G replaced by T.
Protein change: p.Gly413Ter; replaces glycine 413 with a stop codon.
Molecular consequence: nonsense.
Genome position (GRCh38, 1-based): chr13:110,450,352, G>T. VCF-style: chr13-110450352-G-T. GRCh37 (hg19) VCF-style: chr13-111102699-G-T.
Other names: short protein forms G413*.
Identifiers: ClinVar variation 2876988 (VCV002876988.3), dbSNP rs1464563247, ClinGen allele CA388734481.
Genomic context (GRCh38, chr13:110,450,352, plus strand): 5'-TGTTTGGTTTCAGATCAGAGGAGAGGCCTGCCGGGTGAGATGGGACCCAAGGGCTTCATC[G>T]GAGACCCCGGCATCCCTGCGCTCTACGGGGGCCCACCTGGACCTGATGGAAAGCGAGGGC-3'